The following is an entry in ClinVar:

ClinVar aggregate classification (germline): Conflicting classifications of pathogenicity. Review status: criteria provided, conflicting classifications (1 of 4 stars). 3 submissions from 3 submitters: Uncertain significance (2); Likely benign (1). Last evaluated 2024-12-23.

Conditions:
Primary ciliary dyskinesia. Also called: Ciliary dyskinesia. Identifiers: Orphanet 244, MedGen C0008780, MONDO:0016575, HP:0012265.

Allele frequency attached by ClinVar (database versions not stated): gnomAD exomes 0.00028; 1000 Genomes Project 30x 0.00031; ExAC 0.00032; 1000 Genomes Project 0.00040; gnomAD 0.00041; TOPMed 0.00041; ESP Exome Variant Server 0.00106.

Submissions (3):

Ambry Genetics
Classification: Likely benign for Primary ciliary dyskinesia. Last evaluated: 2024-12-23. Review status: criteria provided, single submitter. Criteria: Ambry Variant Classification Scheme 2023. Collection method: clinical testing. Allele origin: germline.

Blueprint Genetics
Classification: Uncertain significance. Last evaluated: 2024-11-21. Review status: criteria provided, single submitter. Criteria: ACMG Guidelines, 2015. Collection method: clinical testing. Allele origin: germline.

Labcorp Genetics (formerly Invitae), Labcorp
Classification: Uncertain significance for Primary ciliary dyskinesia. Last evaluated: 2022-10-24. Review status: criteria provided, single submitter. Criteria: Invitae Variant Classification Sherloc (09022015). Collection method: clinical testing. Allele origin: germline.
Comment: This sequence change replaces valine, which is neutral and non-polar, with methionine, which is neutral and non-polar, at codon 485 of the DNAAF3 protein (p.Val485Met). This variant is present in population databases (rs201231901, gnomAD 0.06%). This variant has not been reported in the literature in individuals affected with DNAAF3-related conditions. ClinVar contains an entry for this variant (Variation ID: 410291). Advanced modeling of protein sequence and biophysical properties (such as structural, functional, and spatial information, amino acid conservation, physicochemical variation, residue mobility, and thermodynamic stability) performed at Invitae indicates that this missense variant is not expected to disrupt DNAAF3 protein function. In summary, the available evidence is currently insufficient to determine the role of this variant in disease. Therefore, it has been classified as a Variant of Uncertain Significance.

Literature cited by the submitters: PubMed 29444099 (cited by Ambry Genetics); PubMed 36980814 (cited by Ambry Genetics).

NM_001256715.2(DNAAF3):c.1252G>A (p.Val418Met)

Genes: DNAAF3 (dynein axonemal assembly factor 3; minus strand), DNAAF3-AS1 (DNAAF3 antisense RNA 1; plus strand). Cytogenetic location: 19q13.42.
Variant type: single nucleotide variant.
Coding change: c.1252G>A on transcript NM_001256715.2 (MANE Select); coding-DNA position 1252, G replaced by A.
Protein change: p.Val418Met; replaces valine 418 with methionine.
Molecular consequence: missense variant.
Genome position (GRCh38, 1-based): chr19:55,159,436, C>T on the plus strand (G>A on the coding strand, the complement: DNAAF3 is on the minus strand). VCF-style: chr19-55159436-C-T. GRCh37 (hg19) VCF-style: chr19-55670804-C-T.
Other names: c.1453G>A, p.Val485Met (NM_001256714.1); c.1090G>A, p.Val364Met (NM_001256716.2); c.1393G>A, p.Val465Met (NM_178837.4); short protein forms V485M, V465M, V364M, V418M.
Identifiers: ClinVar variation 410291 (VCV000410291.9), dbSNP rs201231901, ClinGen allele CA9667816.